The following is an entry in ClinVar:

NM_002474.3(MYH11):c.1594C>T (p.Leu532=)

Gene: MYH11 (myosin heavy chain 11; minus strand). Cytogenetic location: 16p13.11.
Variant type: single nucleotide variant.
Coding change: c.1594C>T on transcript NM_002474.3 (MANE Select); coding-DNA position 1594, C replaced by T.
Protein change: p.Leu532=; no amino-acid change (leucine 532 retained).
Molecular consequence: synonymous variant.
Genome position (GRCh38, 1-based): chr16:15,756,496, G>A on the plus strand (C>T on the coding strand, the complement: MYH11 is on the minus strand). VCF-style: chr16-15756496-G-A. GRCh37 (hg19) VCF-style: chr16-15850353-G-A.
Other names: c.1615C>T, p.Leu539= (NM_001040113.2, NM_001040114.2); c.1594C>T, p.Leu532= (NM_022844.3); c.1594C>T (NM_002474.2).
Identifiers: ClinVar variation 920084 (VCV000920084.9), dbSNP rs2041720440, ClinGen allele CA493793409.
Genomic context (GRCh38, chr16:15,756,496, plus strand): 5'-TCTCCACGAAAGACTTGTCCGTGGCTTTGGGGAACCAGCATTCCTCGTCCAGCAGGGCCA[G>A]CACACCTGGAGGGTTGTTCTGTGGGAGACAAGTAGGGCTTGAATCAGAGAGAACACCCAA-3'
Protein context (NP_002465.1, residues 522-542): IERPNNPPGV[Leu532=]ALLDEECWFP

ClinVar aggregate classification (germline): Likely benign. Review status: criteria provided, multiple submitters, no conflicts (2 of 4 stars). 4 submissions from 4 submitters: Likely benign (4). Last evaluated 2024-03-05.

Conditions:
Familial thoracic aortic aneurysm and aortic dissection (TAAD). Also called: Thoracic aortic aneurysms and dissections. Identifiers: Orphanet 91387, MedGen C4707243, MONDO:0019625.
Aortic aneurysm, familial thoracic 4 (AAT4). Also called: AORTIC ANEURYSM/AORTIC DISSECTION AND PATENT DUCTUS ARTERIOSUS. Identifiers: MedGen C1851504, MONDO:0007568, OMIM 132900.

Allele frequency attached by ClinVar (database versions not stated): gnomAD exomes below 0.00001.
gnomAD v4.1: 1 of 1,614,190 alleles (0.000062%); highest among the groups gnomAD compares: Non-Finnish European, 0.000085%; no homozygotes.

Submissions (4):

All of Us Research Program, National Institutes of Health
Classification: Likely benign for Familial thoracic aortic aneurysm and aortic dissection. Last evaluated: 2024-03-05. Review status: criteria provided, single submitter. Criteria: ACMG Guidelines, 2015. Collection method: clinical testing. Allele origin: germline. Inheritance: Autosomal dominant inheritance. Observed: 1 variant allele, 1 heterozygote.
Comment: This study involves interpretation of variants in research participants for the purpose of population health screening. Participant phenotype was not available at the time of variant classification. Additional details can be found in publication PMID: 35346344, PMCID: PMC8962531

Ambry Genetics
Classification: Likely benign for Familial thoracic aortic aneurysm and aortic dissection. Last evaluated: 2022-12-01. Review status: criteria provided, single submitter. Criteria: Ambry Variant Classification Scheme 2023. Collection method: clinical testing. Allele origin: germline.

Labcorp Genetics (formerly Invitae), Labcorp
Classification: Likely benign for Aortic aneurysm, familial thoracic 4. Last evaluated: 2022-05-09. Review status: criteria provided, single submitter. Criteria: Invitae Variant Classification Sherloc (09022015). Collection method: clinical testing. Allele origin: germline.

Color Diagnostics, LLC DBA Color Health
Classification: Likely benign for Familial thoracic aortic aneurysm and aortic dissection. Last evaluated: 2018-11-08. Review status: criteria provided, single submitter. Criteria: ACMG Guidelines, 2015. Collection method: clinical testing. Allele origin: germline.